The following is an entry in ClinVar:

ClinVar aggregate classification (germline): Uncertain significance (1 of 4 stars; one submission).

Submission:

Labcorp Genetics (formerly Invitae), Labcorp
Classification: Uncertain significance. Last evaluated: 2025-03-31. Review status: criteria provided, single submitter. Criteria: Invitae Variant Classification Sherloc (09022015). Collection method: clinical testing. Allele origin: germline.
Comment: This sequence change replaces proline, which is neutral and non-polar, with serine, which is neutral and polar, at codon 365 of the CRAT protein (p.Pro365Ser). This variant is not present in population databases (gnomAD no frequency). This variant has not been reported in the literature in individuals affected with CRAT-related conditions. Invitae Evidence Modeling of protein sequence and biophysical properties (such as structural, functional, and spatial information, amino acid conservation, physicochemical variation, residue mobility, and thermodynamic stability) indicates that this missense variant is not expected to disrupt CRAT protein function with a negative predictive value of 80%. In summary, the available evidence is currently insufficient to determine the role of this variant in disease. Therefore, it has been classified as a Variant of Uncertain Significance.

NM_000755.5(CRAT):c.1093C>T (p.Pro365Ser)

Gene: CRAT (carnitine O-acetyltransferase; minus strand). Cytogenetic location: 9q34.11.
Variant type: single nucleotide variant.
Coding change: c.1093C>T on transcript NM_000755.5 (MANE Select); coding-DNA position 1093, C replaced by T.
Protein change: p.Pro365Ser; replaces proline 365 with serine.
Molecular consequence: missense variant.
Genome position (GRCh38, 1-based): chr9:129,098,643, G>A on the plus strand (C>T on the coding strand, the complement: CRAT is on the minus strand). VCF-style: chr9-129098643-G-A. GRCh37 (hg19) VCF-style: chr9-131860922-G-A.
Other names: c.1030C>T, p.Pro344Ser (NM_001257363.3, NM_001346548.2, NM_004003.4); c.1096C>T, p.Pro366Ser (NM_001346546.2); c.1093C>T, p.Pro365Ser (NM_001346547.2); c.973C>T, p.Pro325Ser (NM_001346549.2); short protein forms P344S, P365S, P366S, P325S.
Identifiers: ClinVar variation 4743207 (VCV004743207.1).